The following is an entry in ClinVar:

ClinVar aggregate classification (germline): Uncertain significance (1 of 4 stars; one submission).

gnomAD v4.1: 96 of 1,613,922 alleles (0.0059%); highest among the groups gnomAD compares: Non-Finnish European, 0.0081%; no homozygotes.

Submission:

Labcorp Genetics (formerly Invitae), Labcorp
Classification: Uncertain significance. Last evaluated: 2025-03-13. Review status: criteria provided, single submitter. Criteria: Invitae Variant Classification Sherloc (09022015). Collection method: clinical testing. Allele origin: germline.
Comment: This sequence change replaces methionine, which is neutral and non-polar, with valine, which is neutral and non-polar, at codon 59 of the ZMPSTE24 protein (p.Met59Val). This variant is present in population databases (rs755419509, gnomAD 0.004%). This variant has not been reported in the literature in individuals affected with ZMPSTE24-related conditions. Invitae Evidence Modeling of protein sequence and biophysical properties (such as structural, functional, and spatial information, amino acid conservation, physicochemical variation, residue mobility, and thermodynamic stability) indicates that this missense variant is not expected to disrupt ZMPSTE24 protein function with a negative predictive value of 80%. In summary, the available evidence is currently insufficient to determine the role of this variant in disease. Therefore, it has been classified as a Variant of Uncertain Significance.

NM_005857.5(ZMPSTE24):c.175A>G (p.Met59Val)

Gene: ZMPSTE24 (zinc metallopeptidase STE24; plus strand). Cytogenetic location: 1p34.2.
Variant type: single nucleotide variant.
Coding change: c.175A>G on transcript NM_005857.5 (MANE Select); coding-DNA position 175, A replaced by G.
Protein change: p.Met59Val; replaces methionine 59 with valine.
Molecular consequence: missense variant.
Genome position (GRCh38, 1-based): chr1:40,260,890, A>G. VCF-style: chr1-40260890-A-G. GRCh37 (hg19) VCF-style: chr1-40726562-A-G.
Other names: short protein forms M59V.
Identifiers: ClinVar variation 4694785 (VCV004694785.1).